The following is an entry in ClinVar:

NM_182961.4(SYNE1):c.17758G>A (p.Ala5920Thr)

Gene: SYNE1 (spectrin repeat containing nuclear envelope protein 1; minus strand). Cytogenetic location: 6q25.2.
Variant type: single nucleotide variant.
Coding change: c.17758G>A on transcript NM_182961.4 (MANE Select); coding-DNA position 17758, G replaced by A.
Protein change: p.Ala5920Thr; replaces alanine 5920 with threonine.
Molecular consequence: missense variant.
Genome position (GRCh38, 1-based): chr6:152,294,052, C>T on the plus strand (G>A on the coding strand, the complement: SYNE1 is on the minus strand). VCF-style: chr6-152294052-C-T. GRCh37 (hg19) VCF-style: chr6-152615187-C-T.
Other names: c.17545G>A, p.Ala5849Thr (NM_033071.5); short protein forms A5920T, A5849T.
Identifiers: ClinVar variation 1461182 (VCV001461182.8), dbSNP rs765300968, ClinGen allele CA4055132.

ClinVar aggregate classification (germline): Uncertain significance (1 of 4 stars; one submission).

Conditions:
Autosomal recessive ataxia, Beauce type. Also called: SYNE1-Related Autosomal Recessive Cerebellar Ataxia; Spinocerebellar ataxia, autosomal recessive 8; ATAXIA, RECESSIVE, OF BEAUCE; SYNE1 Deficiency. Identifiers: Orphanet 88644, MedGen C1853116, MONDO:0012549, OMIM 610743.
Emery-Dreifuss muscular dystrophy 4, autosomal dominant (EDMD4). Also called: EMERY-DREIFUSS MUSCULAR DYSTROPHY 4 WITH VARIABLE FEATURES. Identifiers: Orphanet 261, MedGen C2751807, MONDO:0013071, OMIM 612998.

Allele frequency attached by ClinVar (database versions not stated): gnomAD 0.00003; ExAC 0.00005.
gnomAD v4.1: 12 of 1,613,860 alleles (0.00074%); highest among the groups gnomAD compares: African/African-American, 0.0067%; no homozygotes.

Submission:

Labcorp Genetics (formerly Invitae), Labcorp
Classification: Uncertain significance for Emery-Dreifuss muscular dystrophy 4, autosomal dominant; Autosomal recessive ataxia, Beauce type. Last evaluated: 2024-04-10. Review status: criteria provided, single submitter. Criteria: Invitae Variant Classification Sherloc (09022015). Collection method: clinical testing. Allele origin: germline.
Comment: This sequence change replaces alanine, which is neutral and non-polar, with threonine, which is neutral and polar, at codon 5849 of the SYNE1 protein (p.Ala5849Thr). This variant is present in population databases (rs765300968, gnomAD 0.008%). This variant has not been reported in the literature in individuals affected with SYNE1-related conditions. ClinVar contains an entry for this variant (Variation ID: 1461182). Algorithms developed to predict the effect of missense changes on protein structure and function output the following: SIFT: "Not Available"; PolyPhen-2: "Benign"; Align-GVGD: "Not Available". The threonine amino acid residue is found in multiple mammalian species, which suggests that this missense change does not adversely affect protein function. In summary, the available evidence is currently insufficient to determine the role of this variant in disease. Therefore, it has been classified as a Variant of Uncertain Significance.